The following is an entry in ClinVar:

ClinVar aggregate classification (germline): Conflicting classifications of pathogenicity. Review status: criteria provided, conflicting classifications (1 of 4 stars). 3 submissions from 3 submitters: Uncertain significance (2); Likely benign (1). Last evaluated 2026-01-09.

Conditions:
Nemaline myopathy 10 (NEM10). Identifiers: MedGen C4015360, MONDO:0014513, OMIM 616165.

Allele frequency attached by ClinVar (database versions not stated): gnomAD exomes 0.00035; ExAC 0.00042; gnomAD 0.00080; TOPMed 0.00090; ESP Exome Variant Server 0.00100; 1000 Genomes Project 0.00140; 1000 Genomes Project 30x 0.00141.

Submissions (3):

Labcorp Genetics (formerly Invitae), Labcorp
Classification: Likely benign for Nemaline myopathy 10. Last evaluated: 2026-01-09. Review status: criteria provided, single submitter. Criteria: Invitae Variant Classification Sherloc (09022015). Collection method: clinical testing. Allele origin: germline.

GeneDx
Classification: Uncertain significance. Last evaluated: 2023-01-19. Review status: criteria provided, single submitter. Criteria: GeneDx Variant Classification Process June 2021. Collection method: clinical testing. Allele origin: germline. Affected: yes.
Comment: Has not been previously published as pathogenic or benign to our knowledge; In silico analysis supports that this missense variant has a deleterious effect on protein structure/function

Revvity Omics, Revvity
Classification: Uncertain significance for Nemaline myopathy 10. Last evaluated: 2020-12-03. Review status: criteria provided, single submitter. Criteria: ACMG Guidelines, 2015. Collection method: clinical testing. Allele origin: germline.

NM_198271.5(LMOD3):c.247C>T (p.Arg83Cys)

Genes: LMOD3 (leiomodin 3; minus strand), LOC126806710 (CDK7 strongly-dependent group 2 enhancer GRCh37_chr3:69170601-69171800; plus strand). Cytogenetic location: 3p14.1.
Variant type: single nucleotide variant.
Coding change: c.247C>T on transcript NM_198271.5 (MANE Select); coding-DNA position 247, C replaced by T.
Protein change: p.Arg83Cys; replaces arginine 83 with cysteine.
Molecular consequence: missense variant.
Genome position (GRCh38, 1-based): chr3:69,122,140, G>A on the plus strand (C>T on the coding strand, the complement: LMOD3 is on the minus strand). VCF-style: chr3-69122140-G-A. GRCh37 (hg19) VCF-style: chr3-69171291-G-A.
Other names: c.247C>T, p.Arg83Cys (NM_001304418.3); short protein forms R83C.
Identifiers: ClinVar variation 705169 (VCV000705169.18), dbSNP rs200367429, ClinGen allele CA2489048.